The following is an entry in ClinVar:

NM_024675.4(PALB2):c.2009A>G (p.Asp670Gly)

Gene: PALB2 (partner and localizer of BRCA2; minus strand). Cytogenetic location: 16p12.2.
Variant type: single nucleotide variant.
Coding change: c.2009A>G on transcript NM_024675.4 (MANE Select); coding-DNA position 2009, A replaced by G.
Protein change: p.Asp670Gly; replaces aspartic acid 670 with glycine.
Molecular consequence: missense variant.
Genome position (GRCh38, 1-based): chr16:23,630,145, T>C on the plus strand (A>G on the coding strand, the complement: PALB2 is on the minus strand). VCF-style: chr16-23630145-T-C. GRCh37 (hg19) VCF-style: chr16-23641466-T-C.
Other names: short protein forms D670G.
Identifiers: ClinVar variation 1430269 (VCV001430269.13), dbSNP rs781352462, ClinGen allele CA7963638.

ClinVar aggregate classification (germline): Uncertain significance. Review status: criteria provided, multiple submitters, no conflicts (2 of 4 stars). 3 submissions from 3 submitters: Uncertain significance (3). Last evaluated 2024-11-04.

Conditions:
Hereditary cancer-predisposing syndrome. Also called: Hereditary Cancer Syndrome; Hereditary neoplastic syndrome; Neoplastic Syndromes, Hereditary; Tumor predisposition. Identifiers: Orphanet 140162, MedGen C0027672, MeSH D009386, MONDO:0015356.
Familial cancer of breast. Also called: BREAST CANCER, FAMILIAL; Hereditary breast cancer; hereditary breast carcinoma. Identifiers: Orphanet 227535, MedGen C0346153, MONDO:0016419, OMIM 114480. Disease mechanism: loss of function.

Allele frequency attached by ClinVar (database versions not stated): gnomAD exomes below 0.00001 and 0.00001; ExAC 0.00001.
gnomAD v4.1: 4 of 1,614,158 alleles (0.00025%); highest among the groups gnomAD compares: South Asian, 0.0033%; no homozygotes.

Submissions (3):

Labcorp Genetics (formerly Invitae), Labcorp
Classification: Uncertain significance for Familial cancer of breast. Last evaluated: 2024-11-04. Review status: criteria provided, single submitter. Criteria: Invitae Variant Classification Sherloc (09022015). Collection method: clinical testing. Allele origin: germline.
Comment: This sequence change replaces aspartic acid, which is acidic and polar, with glycine, which is neutral and non-polar, at codon 670 of the PALB2 protein (p.Asp670Gly). This variant is present in population databases (rs781352462, gnomAD 0.006%). This variant has not been reported in the literature in individuals affected with PALB2-related conditions. ClinVar contains an entry for this variant (Variation ID: 1430269). Invitae Evidence Modeling of protein sequence and biophysical properties (such as structural, functional, and spatial information, amino acid conservation, physicochemical variation, residue mobility, and thermodynamic stability) indicates that this missense variant is not expected to disrupt PALB2 protein function with a negative predictive value of 80%. In summary, the available evidence is currently insufficient to determine the role of this variant in disease. Therefore, it has been classified as a Variant of Uncertain Significance.

Ambry Genetics
Classification: Uncertain significance for Hereditary cancer-predisposing syndrome. Last evaluated: 2024-09-02. Review status: criteria provided, single submitter. Criteria: Ambry Variant Classification Scheme 2023. Collection method: clinical testing. Allele origin: germline.
Comment: The p.D670G variant (also known as c.2009A>G), located in coding exon 5 of the PALB2 gene, results from an A to G substitution at nucleotide position 2009. The aspartic acid at codon 670 is replaced by glycine, an amino acid with similar properties. This amino acid position is conserved. In addition, this alteration is predicted to be tolerated by in silico analysis. Since supporting evidence is limited at this time, the clinical significance of this alteration remains unclear.

GeneDx
Classification: Uncertain significance. Last evaluated: 2024-09-01. Review status: criteria provided, single submitter. Criteria: GeneDx Variant Classification Process June 2021. Collection method: clinical testing. Allele origin: germline. Affected: yes.
Comment: Not observed at significant frequency in large population cohorts (gnomAD); In silico analysis indicates that this missense variant does not alter protein structure/function; Has not been previously published as pathogenic or benign to our knowledge; This variant is associated with the following publications: (PMID: 22941656)